The following is an entry in ClinVar:

ClinVar aggregate classification (germline): Pathogenic (1 of 4 stars; one submission).

Conditions:
Very long chain acyl-CoA dehydrogenase deficiency (ACADVLD). Also called: Very Long-Chain Acyl-Coenzyme A Dehydrogenase Deficiency; VLCAD Deficiency. Identifiers: Orphanet 26793, MedGen C3887523, MONDO:0008723, OMIM 201475.

Submission:

Labcorp Genetics (formerly Invitae), Labcorp
Classification: Pathogenic for Very long chain acyl-CoA dehydrogenase deficiency. Last evaluated: 2023-04-10. Review status: criteria provided, single submitter. Criteria: Invitae Variant Classification Sherloc (09022015). Collection method: clinical testing. Allele origin: germline.
Comment: This variant is present in population databases (rs768471244, gnomAD 0.0009%). For these reasons, this variant has been classified as Pathogenic. This variant has not been reported in the literature in individuals affected with ACADVL-related conditions. This sequence change creates a premature translational stop signal (p.Arg229Profs*10) in the ACADVL gene. It is expected to result in an absent or disrupted protein product. Loss-of-function variants in ACADVL are known to be pathogenic (PMID: 9973285, 11590124).

Literature cited by the submitters: PubMed 9973285; PubMed 11590124.

NM_000018.4(ACADVL):c.686_726del (p.Arg229fs)

Gene: ACADVL (acyl-CoA dehydrogenase very long chain; plus strand). Cytogenetic location: 17p13.1.
Variant type: Deletion.
Coding change: c.686_726del on transcript NM_000018.4 (MANE Select); coding-DNA positions 686 to 726, 41 bases deleted.
Protein change: p.Arg229fs; shifts the reading frame from arginine 229.
Molecular consequence: frameshift variant.
Genome position (GRCh38, 1-based): chr17:7,222,015-7,222,055, 41 bases deleted; deleting any 41 consecutive bases within chr17:7,222,013-7,222,055 gives the same sequence; the c. name uses the placement nearest the transcript's 3' end. GRCh37 (hg19): chr17:7,125,334-7,125,374.
Other names: c.620_660del, p.Arg207fs (NM_001033859.3); c.755_795del, p.Arg252fs (NM_001270447.2); c.458_498del, p.Arg153fs (NM_001270448.2); short protein forms R207fs, R252fs, R153fs, R229fs.
Identifiers: ClinVar variation 2852833 (VCV002852833.3), dbSNP rs768471244, ClinGen allele CA8337811.